The following is an entry in ClinVar:

ClinVar aggregate classification (germline): Pathogenic (1 of 4 stars; one submission).

Conditions:
Immunodeficiency, common variable, 7. Identifiers: Orphanet 1572, Orphanet 696894, MedGen C3542922, MONDO:0013862, OMIM 614699.

Allele frequency attached by ClinVar (database versions not stated): gnomAD exomes below 0.00001.

Submission:

Labcorp Genetics (formerly Invitae), Labcorp
Classification: Pathogenic for Immunodeficiency, common variable, 7. Last evaluated: 2022-09-19. Review status: criteria provided, single submitter. Criteria: Invitae Variant Classification Sherloc (09022015). Collection method: clinical testing. Allele origin: germline.
Comment: For these reasons, this variant has been classified as Pathogenic. ClinVar contains an entry for this variant (Variation ID: 939622). This variant has not been reported in the literature in individuals affected with CR2-related conditions. This variant is present in population databases (no rsID available, gnomAD 0.0009%). This sequence change creates a premature translational stop signal (p.Phe241Serfs*17) in the CR2 gene. It is expected to result in an absent or disrupted protein product. Loss-of-function variants in CR2 are known to be pathogenic (PMID: 26325596, 28499783).

Literature cited by the submitters: PubMed 26325596; PubMed 28499783.

NM_001006658.3(CR2):c.717del (p.Phe241fs)

Gene: CR2 (complement C3d receptor 2; plus strand). Cytogenetic location: 1q32.2.
Variant type: Deletion.
Coding change: c.717del on transcript NM_001006658.3 (MANE Select); coding-DNA position 717, one base deleted (C; older notation c.717delC).
Protein change: p.Phe241fs; shifts the reading frame from phenylalanine 241.
Molecular consequence: frameshift variant.
Genome position (GRCh38, 1-based): chr1:207,468,882, C deleted. VCF-style (leftmost placement, unchanged base first): chr1-207468881-AC-A. GRCh37 (hg19) VCF-style: chr1-207642226-AC-A.
Other names: c.717del, p.Phe241fs (NM_001877.5); short protein forms F241fs.
Identifiers: ClinVar variation 939622 (VCV000939622.7), dbSNP rs1468427986, ClinGen allele CA528999162.
Genomic context (GRCh38, chr1:207,468,881, plus strand): 5'-GACGATTTCCCAATGGGAAGGTAAAGGAGCCTCCAATTCTCCGGGTTGGTGTAACTGCAA[AC>A]TTTTTCTGTGATGAAGGGTGAGTGTCAGGATTATTTATGAGATTTAATTCATTTGTCTTG-3'